The following is an entry in ClinVar:

ClinVar aggregate classification (germline): Pathogenic (1 of 4 stars; one submission).

Conditions:
Aicardi-Goutieres syndrome 2. Identifiers: Orphanet 51, MedGen C3489724, MONDO:0012429, OMIM 610181.

Submission:

Myriad Genetics, Inc.
Classification: Pathogenic for Aicardi-Goutieres syndrome 2. Last evaluated: 2024-08-08. Review status: criteria provided, single submitter. Criteria: Myriad Autosomal Dominant, Autosomal Recessive and X-Linked Classification Criteria (2023). Collection method: clinical testing. Allele origin: unknown.
Comment: NM_024570.3(RNASEH2B):c.233C>G(S78*) is expected to be pathogenic in the context of Aicardi-Goutieres syndrome, RNASEH2B-related. This variant is predicted to lead to an abnormal or absent protein product due to the creation of a premature termination codon in RNASEH2B, a gene where loss-of-function variants are known to be pathogenic. Please note: this variant was assessed in the context of healthy population screening.

NM_024570.4(RNASEH2B):c.233C>G (p.Ser78Ter)

Gene: RNASEH2B (ribonuclease H2 subunit B; plus strand). Cytogenetic location: 13q14.3.
Variant type: single nucleotide variant.
Coding change: c.233C>G on transcript NM_024570.4 (MANE Select); coding-DNA position 233, C replaced by G.
Protein change: p.Ser78Ter; replaces serine 78 with a stop codon.
Molecular consequence: nonsense.
Genome position (GRCh38, 1-based): chr13:50,929,571, C>G. VCF-style: chr13-50929571-C-G. GRCh37 (hg19) VCF-style: chr13-51503707-C-G.
Other names: c.233C>G, p.Ser78Ter (NM_001142279.2, NM_001411023.1); short protein forms S78*.
Identifiers: ClinVar variation 5013430 (VCV005013430.1).